The following is an entry in ClinVar:

ClinVar aggregate classification (germline): Pathogenic (1 of 4 stars; one submission).

Conditions:
Cohen syndrome (COH1). Also called: Cutis verticis gyrata, retinitis pigmentosa, and sensorineural deafness; PEPPER SYNDROME. Identifiers: Orphanet 193, MedGen C0265223, MONDO:0008999, OMIM 216550.

Submission:

Labcorp Genetics (formerly Invitae), Labcorp
Classification: Pathogenic for Cohen syndrome. Last evaluated: 2022-09-23. Review status: criteria provided, single submitter. Criteria: Invitae Variant Classification Sherloc (09022015). Collection method: clinical testing. Allele origin: germline.
Comment: For these reasons, this variant has been classified as Pathogenic. This variant disrupts a region of the VPS13B protein in which other variant(s) (Deletion (Exons 18-19)) have been determined to be pathogenic (PMID: 19533689). This suggests that this is a clinically significant region of the protein, and that variants that disrupt it are likely to be disease-causing. Experimental studies and prediction algorithms are not available or were not evaluated, and the functional significance of this variant is currently unknown. This variant has not been reported in the literature in individuals affected with VPS13B-related conditions. This variant is a gross deletion of the genomic region encompassing exon(s) 4-25 of the VPS13B gene. This variant would be expected to be in-frame, preserving the integrity of the reading frame.

Literature cited by the submitters: PubMed 19533689.

NC_000008.10:g.(?_100108530)_(100494040_?)del

Gene: VPS13B (vacuolar protein sorting 13 homolog B; plus strand). Cytogenetic location: 8q22.2.
Variant type: Deletion.
Identifiers: ClinVar variation 2426394 (VCV002426394.4).